The following is an entry in ClinVar:

NM_000038.6(APC):c.3284A>G (p.Gln1095Arg)

Gene: APC (APC regulator of Wnt signaling pathway; plus strand). Cytogenetic location: 5q22.2.
Variant type: single nucleotide variant.
Coding change: c.3284A>G on transcript NM_000038.6 (MANE Select); coding-DNA position 3284, A replaced by G.
Protein change: p.Gln1095Arg; replaces glutamine 1095 with arginine.
Molecular consequence: missense variant. On other transcripts: non-coding transcript variant (2).
Genome position (GRCh38, 1-based): chr5:112,838,878, A>G. VCF-style: chr5-112838878-A-G. GRCh37 (hg19) VCF-style: chr5-112174575-A-G.
Other names: c.3284A>G, p.Gln1095Arg (NM_001354895.2, NM_001407450.1, NM_001127510.3); c.3338A>G, p.Gln1113Arg (NM_001354896.2, NM_001407447.1, NM_001407448.1 and 1 more transcripts); c.3314A>G, p.Gln1105Arg (NM_001354897.2); c.3209A>G, p.Gln1070Arg (NM_001354898.2); c.3200A>G, p.Gln1067Arg (NM_001354899.2); c.3161A>G, p.Gln1054Arg (NM_001354900.2); c.3107A>G, p.Gln1036Arg (NM_001354901.2, NM_001407453.1); c.3011A>G, p.Gln1004Arg (NM_001354902.2); and 11 more; short protein forms Q1054R, Q1077R, Q1085R, Q1113R, Q711R, Q935R, Q966R, Q1004R.
Identifiers: ClinVar variation 3670442 (VCV003670442.2).

ClinVar aggregate classification (germline): Uncertain significance (1 of 4 stars; one submission).

Conditions:
Familial adenomatous polyposis 1 (FAP1). Also called: FAMILIAL ADENOMATOUS POLYPOSIS 1, ATTENUATED; POLYPOSIS, ADENOMATOUS INTESTINAL. Identifiers: MedGen C2713442, MONDO:0021056, OMIM 175100. Disease mechanism: loss of function.

Submission:

Labcorp Genetics (formerly Invitae), Labcorp
Classification: Uncertain significance for Familial adenomatous polyposis 1. Last evaluated: 2024-06-10. Review status: criteria provided, single submitter. Criteria: Invitae Variant Classification Sherloc (09022015). Collection method: clinical testing. Allele origin: germline.
Comment: This sequence change replaces glutamine, which is neutral and polar, with arginine, which is basic and polar, at codon 1095 of the APC protein (p.Gln1095Arg). This variant is not present in population databases (gnomAD no frequency). This variant has not been reported in the literature in individuals affected with APC-related conditions. Advanced modeling of protein sequence and biophysical properties (such as structural, functional, and spatial information, amino acid conservation, physicochemical variation, residue mobility, and thermodynamic stability) performed at Invitae indicates that this missense variant is not expected to disrupt APC protein function with a negative predictive value of 95%. In summary, the available evidence is currently insufficient to determine the role of this variant in disease. Therefore, it has been classified as a Variant of Uncertain Significance.